The following is an entry in ClinVar:

NM_001358530.2(MOCS1):c.1762G>A (p.Gly588Arg)

Gene: MOCS1 (molybdenum cofactor synthesis 1; minus strand). Cytogenetic location: 6p21.2.
Variant type: single nucleotide variant.
Coding change: c.1762G>A on transcript NM_001358530.2 (MANE Select); coding-DNA position 1762, G replaced by A.
Protein change: p.Gly588Arg; replaces glycine 588 with arginine.
Molecular consequence: missense variant. On other transcripts: 3 prime UTR variant (4), non-coding transcript variant (1).
Genome position (GRCh38, 1-based): chr6:39,906,506, C>T on the plus strand (G>A on the coding strand, the complement: MOCS1 is on the minus strand). VCF-style: chr6-39906506-C-T. GRCh37 (hg19) VCF-style: chr6-39874282-C-T.
Other names: c.*619G>A (NM_001075098.4, NM_001358533.2, NM_001358534.2 and 1 more transcripts); c.1714G>A, p.Gly572Arg (NM_001358529.2); c.1501G>A, p.Gly501Arg (NM_001358531.2); short protein forms G501R, G572R, G588R.
Identifiers: ClinVar variation 3896337 (VCV003896337.2).

ClinVar aggregate classification (germline): Uncertain significance (1 of 4 stars; one submission).

Submission:

Women's Health and Genetics/Laboratory Corporation of America, LabCorp
Classification: Uncertain significance. Last evaluated: 2025-04-10. Review status: criteria provided, single submitter. Criteria: LabCorp Variant Classification Summary - May 2015. Collection method: clinical testing. Allele origin: germline.
Comment: Variant summary: MOCS1 c.*619G>A is located in the untranslated mRNA region downstream of the termination codon. This variant is also known as c.1762G>A (p.Gly588Arg) in transcript NM_001358530.2. The variant allele was found at a frequency of 1.4e-05 in 1613922 control chromosomes. This frequency is not significantly higher than estimated for a pathogenic variant in MOCS1 causing Sulfite Oxidase Deficiency Due To Molybdenum Cofactor Deficiency Type A, allowing no conclusion about variant significance. This variant has been observed in a homozygous individual affected with Sulfite Oxidase Deficiency Due To Molybdenum Cofactor Deficiency Type A (Spiegel_2022). These data indicate that the variant may be associated with disease. To our knowledge, no experimental evidence demonstrating an impact on protein function has been reported. The following publications have been ascertained in the context of this evaluation (PMID: 35192225). No submitters have cited clinical-significance assessments for this variant to ClinVar. Based on the evidence outlined above, the variant was classified as VUS-possibly pathogenic.

Literature cited by the submitters: PubMed 16021469; PubMed 35192225.